The following is an entry in ClinVar:

NM_000181.4(GUSB):c.1872_1875dup (p.Tyr626fs)

Gene: GUSB (glucuronidase beta; minus strand). Cytogenetic location: 7q11.21.
Variant type: Microsatellite.
Coding change: c.1872_1875dup on transcript NM_000181.4 (MANE Select); coding-DNA positions 1872 to 1875, 4 bases duplicated (GAGA; older notation c.1872_1875dupGAGA).
Protein change: p.Tyr626fs; shifts the reading frame from tyrosine 626.
Molecular consequence: frameshift variant. On other transcripts: non-coding transcript variant (1).
Genome position (GRCh38, 1-based): chr7:65,960,978-65,960,981, TCTC duplicated on the plus strand (GAGA on the coding strand, the reverse complement: GUSB is on the minus strand); duplicating any 4 consecutive bases within chr7:65,960,978-65,960,985 gives the same sequence; the c. name uses the placement nearest the transcript's 3' end. VCF-style (leftmost placement, unchanged base first): chr7-65960977-A-ATCTC. GRCh37 (hg19) VCF-style: chr7-65425964-A-ATCTC.
Other names: c.1434_1437dup, p.Tyr480fs (NM_001284290.2); c.1302_1305dup, p.Tyr436fs (NM_001293104.2); c.1215_1218dup, p.Tyr407fs (NM_001293105.2); short protein forms Y407fs, Y436fs, Y480fs, Y626fs.
Identifiers: ClinVar variation 2766408 (VCV002766408.3), dbSNP rs935464108, ClinGen allele CA575259132.

ClinVar aggregate classification (germline): Pathogenic (1 of 4 stars; one submission).

Conditions:
Mucopolysaccharidosis type 7 (MPS7). Also called: BETA-GLUCURONIDASE DEFICIENCY; GUSB DEFICIENCY; SLY SYNDROME; MPS VII. Identifiers: Orphanet 584, MedGen C0085132, MONDO:0009662, OMIM 253220.

Submission:

Labcorp Genetics (formerly Invitae), Labcorp
Classification: Pathogenic for Mucopolysaccharidosis type 7. Last evaluated: 2023-10-06. Review status: criteria provided, single submitter. Criteria: Invitae Variant Classification Sherloc (09022015). Collection method: clinical testing. Allele origin: germline.
Comment: This sequence change creates a premature translational stop signal (p.Tyr626Glufs*8) in the GUSB gene. While this is not anticipated to result in nonsense mediated decay, it is expected to disrupt the last 26 amino acid(s) of the GUSB protein. This variant is present in population databases (no rsID available, gnomAD 0.007%). This variant has not been reported in the literature in individuals affected with GUSB-related conditions. This variant disrupts a region of the GUSB protein in which other variant(s) (p.Trp627Cys) have been determined to be pathogenic (PMID: 7680524). This suggests that this is a clinically significant region of the protein, and that variants that disrupt it are likely to be disease-causing. For these reasons, this variant has been classified as Pathogenic.

Literature cited by the submitters: PubMed 7680524.